The following is an entry in ClinVar:

NM_000051.4(ATM):c.3631G>T (p.Ala1211Ser)

Gene: ATM (ATM serine/threonine kinase; plus strand). Cytogenetic location: 11q22.3.
Variant type: single nucleotide variant.
Coding change: c.3631G>T on transcript NM_000051.4 (MANE Select); coding-DNA position 3631, G replaced by T.
Protein change: p.Ala1211Ser; replaces alanine 1211 with serine.
Molecular consequence: missense variant.
Genome position (GRCh38, 1-based): chr11:108,282,764, G>T. VCF-style: chr11-108282764-G-T. GRCh37 (hg19) VCF-style: chr11-108153491-G-T.
Other names: c.3631G>T, p.Ala1211Ser (NM_001351834.2); short protein forms A1211S.
Identifiers: ClinVar variation 824014 (VCV000824014.4), dbSNP rs745467552, ClinGen allele CA6265329.
Genomic context (GRCh38, chr11:108,282,764, plus strand): 5'-GTGCAGGTTTTAGAGAAAGTTTCTGAAACTTTTGGATATAGACGTTTAGAAGACTTTATG[G>T]CATCTCATTTAGATTATCTGGTTTTGGAATGGCTAAATCTTCAAGATACTGAATACAACT-3'
Protein context (NP_000042.3, residues 1201-1221): FGYRRLEDFM[Ala1211Ser]SHLDYLVLEW

ClinVar aggregate classification (germline): Uncertain significance (1 of 4 stars; one submission).

Conditions:
Hereditary cancer-predisposing syndrome. Also called: Neoplastic Syndromes, Hereditary; Tumor predisposition; Hereditary neoplastic syndrome; Hereditary Cancer Syndrome. Identifiers: Orphanet 140162, MedGen C0027672, MeSH D009386, MONDO:0015356.

Allele frequency attached by ClinVar (database versions not stated): TOPMed 0.00001; gnomAD exomes below 0.00001; ExAC 0.00001.
gnomAD v4.1: 2 of 1,612,560 alleles (0.00012%); highest among the groups gnomAD compares: Non-Finnish European, 0.000085%; no homozygotes.

Submission:

Ambry Genetics
Classification: Uncertain significance for Hereditary cancer-predisposing syndrome. Last evaluated: 2017-12-26. Review status: criteria provided, single submitter. Criteria: Ambry Variant Classification Scheme 2023. Collection method: clinical testing. Allele origin: germline.
Comment: The p.A1211S variant (also known as c.3631G>T), located in coding exon 24 of the ATM gene, results from a G to T substitution at nucleotide position 3631. The alanine at codon 1211 is replaced by serine, an amino acid with similar properties. This amino acid position is not well conserved in available vertebrate species. In addition, this alteration is predicted to be tolerated by in silico analysis. Since supporting evidence is limited at this time, the clinical significance of this alteration remains unclear.